The following is an entry in ClinVar:

ClinVar aggregate classification (germline): Conflicting classifications of pathogenicity. Review status: criteria provided, conflicting classifications (1 of 4 stars). 3 submissions from 2 submitters: Uncertain significance (2); Likely benign (1). Last evaluated 2021-11-23.

Conditions:
EAST syndrome (SESAMES). Also called: SEIZURES, SENSORINEURAL DEAFNESS, ATAXIA, IMPAIRED INTELLECTUAL DEVELOPMENT, AND ELECTROLYTE IMBALANCE. Identifiers: Orphanet 199343, MedGen C2748572, MONDO:0013005, OMIM 612780.
Autosomal recessive nonsyndromic hearing loss 4 (DFNB4). Also called: Deafness, autosomal recessive 4; NEUROSENSORY NONSYNDROMIC RECESSIVE DEAFNESS 4; FOXI1-Related Pendred Syndrome; KCNJ10-Related Pendred Syndrome; DEAFNESS, AUTOSOMAL RECESSIVE 4, WITH ENLARGED VESTIBULAR AQUEDUCT, DIGENIC; Nonsyndromic enlarged vestibular aqueduct (NSEVA). Identifiers: Orphanet 90636, MedGen C3538946, MONDO:0010933, OMIM 600791.

Allele frequency attached by ClinVar (database versions not stated): 1000 Genomes Project 30x 0.00094; 1000 Genomes Project 0.00100; TOPMed 0.00129; gnomAD 0.00331 and 0.00345; gnomAD exomes 0.00718.
gnomAD v4.1: 472 of 143,810 alleles (0.33%); highest among the groups gnomAD compares: Non-Finnish European, 0.28%; 4 homozygotes.

Submissions (3):

GeneDx
Classification: Likely benign. Last evaluated: 2021-11-23. Review status: criteria provided, single submitter. Criteria: GeneDx Variant Classification Process June 2021. Collection method: clinical testing. Allele origin: germline. Affected: yes.
Comment: See Variant Classification Assertion Criteria.

Illumina Laboratory Services, Illumina
Classification: Uncertain significance for Autosomal recessive nonsyndromic hearing loss 4. Last evaluated: 2018-01-13. Review status: criteria provided, single submitter. Criteria: ICSL Variant Classification Criteria 13 December 2019. Collection method: clinical testing. Allele origin: germline.

Illumina Laboratory Services, Illumina
Classification: Uncertain significance for EAST syndrome. Last evaluated: 2018-01-13. Review status: criteria provided, single submitter. Criteria: ICSL Variant Classification Criteria 13 December 2019. Collection method: clinical testing. Allele origin: germline.

NM_002241.5(KCNJ10):c.*2034C>T

Gene: KCNJ10 (potassium inwardly rectifying channel subfamily J member 10; minus strand). Cytogenetic location: 1q23.2.
Variant type: single nucleotide variant.
Coding change: c.*2034C>T on transcript NM_002241.5 (MANE Select); 2034 bases downstream of the stop codon, C replaced by T.
Molecular consequence: 3 prime UTR variant.
Genome position (GRCh38, 1-based): chr1:160,039,359, G>A on the plus strand (C>T on the coding strand, the complement: KCNJ10 is on the minus strand). VCF-style: chr1-160039359-G-A. GRCh37 (hg19) VCF-style: chr1-160009149-G-A.
Identifiers: ClinVar variation 874420 (VCV000874420.5), dbSNP rs192835895, ClinGen allele CA31468290.